The following is an entry in ClinVar:

ClinVar aggregate classification (germline): Pathogenic/Likely pathogenic. Review status: criteria provided, multiple submitters, no conflicts (2 of 4 stars). 3 submissions from 3 submitters: Pathogenic (1); Likely pathogenic (1). 1 of the submissions does not count toward it. Last evaluated 2020-03-18.

Conditions:
Autosomal recessive limb-girdle muscular dystrophy type 2R1 (LGMDR21). Also called: Autosomal recessive limb-girdle muscular dystrophy type 2Z; Muscular dystrophy, limb-girdle, type 2z. Identifiers: Orphanet 480682, MedGen C4310660, MONDO:0014977, OMIM 617232.

Allele frequency attached by ClinVar (database versions not stated): gnomAD exomes below 0.00001.
gnomAD v4.1: 2 of 1,602,976 alleles (0.00012%); highest among the groups gnomAD compares: Non-Finnish European, 0.00017%; no homozygotes.

Submissions (3):

Revvity Omics, Revvity
Classification: Pathogenic. Last evaluated: 2020-03-18. Review status: criteria provided, single submitter. Criteria: ACMG Guidelines, 2015. Collection method: clinical testing. Allele origin: germline.

GeneDx
Classification: Likely pathogenic. Last evaluated: 2018-07-05. Review status: criteria provided, single submitter. Criteria: GeneDx Variant Classification (06012015). Collection method: clinical testing. Allele origin: germline. Affected: yes.
Comment: The W184X nonsense variant in the POGLUT1 gene is predicted to cause loss of normal protein function either through protein truncation or nonsense-mediated mRNA decay. The W184X variant is not observed in large population cohorts (Lek et al., 2016). Although the W184X variant has not been reported previously to our knowledge, we interpret it to be a likely pathogenic variant.

OMIM
Classification: Pathogenic for MUSCULAR DYSTROPHY, LIMB-GIRDLE, AUTOSOMAL RECESSIVE 21. Last evaluated: 2022-10-04. Review status: no assertion criteria provided. Collection method: literature only. Allele origin: germline. Not counted in ClinVar's aggregate classification.

Literature cited by the submitters: PubMed 31897643 (cited by OMIM).

NM_152305.3(POGLUT1):c.552G>A (p.Trp184Ter)

Gene: POGLUT1 (protein O-glucosyltransferase 1; plus strand). Cytogenetic location: 3q13.33.
Variant type: single nucleotide variant.
Coding change: c.552G>A on transcript NM_152305.3 (MANE Select); coding-DNA position 552, G replaced by A.
Protein change: p.Trp184Ter; replaces tryptophan 184 with a stop codon.
Molecular consequence: nonsense. On other transcripts: non-coding transcript variant (1).
Genome position (GRCh38, 1-based): chr3:119,480,146, G>A. VCF-style: chr3-119480146-G-A. GRCh37 (hg19) VCF-style: chr3-119198993-G-A.
Other names: c.552G>A, p.Trp184Ter (NM_020231.3); short protein forms W184*.
Identifiers: ClinVar variation 620272 (VCV000620272.6), dbSNP rs1560034617, ClinGen allele CA354042275.